The following is an entry in ClinVar:

NM_001242896.3(DEPDC5):c.4745_4746del (p.Asn1582fs)

Gene: DEPDC5 (DEP domain containing 5, GATOR1 subcomplex subunit; plus strand). Cytogenetic location: 22q12.3.
Variant type: Deletion.
Coding change: c.4745_4746del on transcript NM_001242896.3 (MANE Select); coding-DNA positions 4745 to 4746, 2 bases deleted (AC; older notation c.4745_4746delAC).
Protein change: p.Asn1582fs; shifts the reading frame from asparagine 1582.
Molecular consequence: frameshift variant. On other transcripts: non-coding transcript variant (5).
Genome position (GRCh38, 1-based): chr22:31,906,430-31,906,431, AC deleted. VCF-style (leftmost placement, unchanged base first): chr22-31906429-AAC-A. GRCh37 (hg19) VCF-style: chr22-32302415-AAC-A.
Other names: c.4745_4746del, p.Asn1582fs (NM_001364318.2); c.4511_4512del, p.Asn1504fs (NM_001364319.2, NM_001363854.2); c.4679_4680del, p.Asn1560fs (NM_001364320.2, NM_001363852.2); c.4661_4662del, p.Asn1554fs (NM_001369901.1, NM_001369902.1); c.4652_4653del, p.Asn1551fs (NM_001369903.1, NM_014662.6); c.4718_4719del, p.Asn1573fs (NM_001136029.4); c.4445_4446del, p.Asn1482fs (NM_001242897.2); short protein forms N1482fs, N1560fs, N1504fs, N1554fs, N1551fs, N1573fs, N1582fs.
Identifiers: ClinVar variation 4795682 (VCV004795682.1).

ClinVar aggregate classification (germline): Uncertain significance (1 of 4 stars; one submission).

Submission:

GeneDx
Classification: Uncertain significance. Last evaluated: 2025-08-16. Review status: criteria provided, single submitter. Criteria: GeneDx Variant Classification Process June 2021. Collection method: clinical testing. Allele origin: germline. Affected: yes.
Comment: Not observed at significant frequency in large population cohorts (gnomAD); Frameshift variant predicted to result in abnormal protein length as the last 22 amino acid(s) are replaced with 1 different amino acid(s); Has not been previously published as pathogenic or benign to our knowledge